The following is an entry in ClinVar:

ClinVar aggregate classification (germline): Pathogenic (1 of 4 stars; one submission).

Conditions:
Fanconi-Bickel syndrome (FBS). Also called: Glycogen storage disease due to GLUT2 deficiency; PSEUDO-PHLORIZIN DIABETES; FANCONI SYNDROME WITH INTESTINAL MALABSORPTION AND GALACTOSE INTOLERANCE; HEPATIC GLYCOGENOSIS WITH AMINO ACIDURIA AND GLUCOSURIA; HEPATIC GLYCOGENOSIS WITH FANCONI NEPHROPATHY; HEPATORENAL GLYCOGENOSIS WITH RENAL FANCONI SYNDROME. Identifiers: Orphanet 2088, MedGen C3495427, MONDO:0009216, OMIM 227810.

Allele frequency attached by ClinVar (database versions not stated): gnomAD exomes below 0.00001.
gnomAD v4.1: 1 of 1,613,786 alleles (0.000062%); highest among the groups gnomAD compares: South Asian, 0.0011%; no homozygotes.

Submission:

Labcorp Genetics (formerly Invitae), Labcorp
Classification: Pathogenic for Fanconi-Bickel syndrome. Last evaluated: 2023-02-01. Review status: criteria provided, single submitter. Criteria: Invitae Variant Classification Sherloc (09022015). Collection method: clinical testing. Allele origin: germline.
Comment: This variant is not present in population databases (gnomAD no frequency). This sequence change creates a premature translational stop signal (p.Cys453*) in the SLC2A2 gene. While this is not anticipated to result in nonsense mediated decay, it is expected to disrupt the last 72 amino acid(s) of the SLC2A2 protein. This premature translational stop signal has been observed in individual(s) with Fanconi-Bickel syndrome (Invitae). ClinVar contains an entry for this variant (Variation ID: 1045992). This variant disrupts a region of the SLC2A2 protein in which other variant(s) (p.Thr480Arg) have been determined to be pathogenic (PMID: 11810292, 30950137). This suggests that this is a clinically significant region of the protein, and that variants that disrupt it are likely to be disease-causing. For these reasons, this variant has been classified as Pathogenic.

Literature cited by the submitters: PubMed 11810292; PubMed 30950137.

NM_000340.2(SLC2A2):c.1359T>A (p.Cys453Ter)

Gene: SLC2A2 (solute carrier family 2 member 2; minus strand). Cytogenetic location: 3q26.2.
Variant type: single nucleotide variant.
Coding change: c.1359T>A on transcript NM_000340.2 (MANE Select); coding-DNA position 1359, T replaced by A.
Protein change: p.Cys453Ter; replaces cysteine 453 with a stop codon.
Molecular consequence: nonsense.
Genome position (GRCh38, 1-based): chr3:170,998,208, A>T on the plus strand (T>A on the coding strand, the complement: SLC2A2 is on the minus strand). VCF-style: chr3-170998208-A-T. GRCh37 (hg19) VCF-style: chr3-170715997-A-T.
Other names: c.1002T>A, p.Cys334Ter (NM_001278658.2); c.840T>A, p.Cys280Ter (NM_001278659.2); short protein forms C280*, C334*, C453*.
Identifiers: ClinVar variation 1045992 (VCV001045992.8), dbSNP rs1715182989, ClinGen allele CA355485675.